The following is an entry in ClinVar:

NM_001145809.2(MYH14):c.1026G>A (p.Pro342=)

Gene: MYH14 (myosin heavy chain 14; plus strand). Cytogenetic location: 19q13.33.
Variant type: single nucleotide variant.
Coding change: c.1026G>A on transcript NM_001145809.2 (MANE Select); coding-DNA position 1026, G replaced by A.
Protein change: p.Pro342=; no amino-acid change (proline 342 retained).
Molecular consequence: synonymous variant.
Genome position (GRCh38, 1-based): chr19:50,231,982, G>A. VCF-style: chr19-50231982-G-A. GRCh37 (hg19) VCF-style: chr19-50735239-G-A.
Other names: c.1026G>A, p.Pro342= (NM_001077186.2); c.1002G>A, p.Pro334= (NM_024729.4).
Identifiers: ClinVar variation 227572 (VCV000227572.21), dbSNP rs368124508, ClinGen allele CA9592481.

ClinVar aggregate classification (germline): Conflicting classifications of pathogenicity. Review status: criteria provided, conflicting classifications (1 of 4 stars). 5 submissions from 5 submitters: Uncertain significance (1); Likely benign (3). 1 of the submissions does not count toward it. Last evaluated 2023-01-15.

Conditions:
MYH14-related disorder. Also called: MYH14-related condition.
Autosomal dominant nonsyndromic hearing loss 4A. Also called: Deafness, autosomal dominant 4A. Identifiers: Orphanet 90635, MedGen C1833503, MONDO:0010915, OMIM 600652.

Allele frequency attached by ClinVar (database versions not stated): ExAC 0.00012; gnomAD 0.00027 and 0.00029; TOPMed 0.00031; ESP Exome Variant Server 0.00041.
gnomAD v4.1: 466 of 1,613,776 alleles (0.029%); highest among the groups gnomAD compares: African/African-American, 0.056%; no homozygotes.

Submissions (5):

Labcorp Genetics (formerly Invitae), Labcorp
Classification: Likely benign. Last evaluated: 2023-01-15. Review status: criteria provided, single submitter. Criteria: Invitae Variant Classification Sherloc (09022015). Collection method: clinical testing. Allele origin: germline.

GeneDx
Classification: Likely benign. Last evaluated: 2020-12-31. Review status: criteria provided, single submitter. Criteria: GeneDx Variant Classification Process June 2021. Collection method: clinical testing. Allele origin: germline. Affected: yes.

Illumina Laboratory Services, Illumina
Classification: Uncertain significance for Autosomal dominant nonsyndromic hearing loss 4A. Last evaluated: 2018-01-13. Review status: criteria provided, single submitter. Criteria: ICSL Variant Classification Criteria 13 December 2019. Collection method: clinical testing. Allele origin: germline.

Laboratory for Molecular Medicine, Mass General Brigham Personalized Medicine
Classification: Likely benign. Last evaluated: 2015-02-26. Review status: criteria provided, single submitter. Criteria: LMM Criteria. Collection method: clinical testing. Allele origin: germline. Observed: 1 variant allele.
Comment: p.Pro342Pro in exon 10 of MYH14: This variant is not expected to have clinical s ignificance because it does not alter an amino acid residue and is not located w ithin the splice consensus sequence. It has been identified in 6/9734 African ch romosomes by the Exome Aggregation Consortium (ExAC. org).

PreventionGenetics, part of Exact Sciences
Classification: Likely benign for MYH14-related condition. Last evaluated: 2019-11-14. Review status: no assertion criteria provided. Collection method: clinical testing. Allele origin: germline. Not counted in ClinVar's aggregate classification.
Comment: This variant is classified as likely benign based on ACMG/AMP sequence variant interpretation guidelines (Richards et al. 2015 PMID: 25741868, with internal and published modifications).